The following is an entry in ClinVar:

ClinVar aggregate classification (germline): Uncertain significance (1 of 4 stars; one submission).

gnomAD v4.1: 1 of 1,598,620 alleles (0.000063%); highest among the groups gnomAD compares: Non-Finnish European, 0.000085%; no homozygotes.

Submission:

Dasa
Classification: Uncertain significance. Last evaluated: 2025-09-03. Review status: criteria provided, single submitter. Criteria: DASA Assertion Criteria. Collection method: clinical testing. Allele origin: germline.
Comment: NM_001379291.1(BRD4):c.850A>G (p.Thr284Ala) is a missense variant that results in the substitution of threonine with alanine. This variant is rare in population databases. Computational prediction algorithms are consistent with a benign effect. The currently available literature and clinical evidence are not sufficient to establish a definitive association between this variant and the reported condition. Therefore, this variant is classified as a variant of uncertain significance.

NM_001379291.1(BRD4):c.850A>G (p.Thr284Ala)

Gene: BRD4 (bromodomain containing 4; minus strand). Cytogenetic location: 19p13.12.
Variant type: single nucleotide variant.
Coding change: c.850A>G on transcript NM_001379291.1 (MANE Select); coding-DNA position 850, A replaced by G.
Protein change: p.Thr284Ala; replaces threonine 284 with alanine.
Molecular consequence: missense variant.
Genome position (GRCh38, 1-based): chr19:15,264,766, T>C on the plus strand (A>G on the coding strand, the complement: BRD4 is on the minus strand). VCF-style: chr19-15264766-T-C. GRCh37 (hg19) VCF-style: chr19-15375577-T-C.
Other names: c.850A>G, p.Thr284Ala (NM_001330384.2, NM_001379292.1, NM_014299.3 and 1 more transcripts); short protein forms T284A.
Identifiers: ClinVar variation 4886126 (VCV004886126.2).